The following is an entry in ClinVar:

NM_007294.4(BRCA1):c.1439dup (p.Asn480fs)

Gene: BRCA1 (BRCA1 DNA repair associated; minus strand). Cytogenetic location: 17q21.31.
Variant type: Duplication.
Coding change: c.1439dup on transcript NM_007294.4 (MANE Select); coding-DNA position 1439, one base duplicated (A; older notation c.1439dupA).
Protein change: p.Asn480fs; shifts the reading frame from asparagine 480.
Molecular consequence: frameshift variant. On other transcripts: intron variant (137).
Genome position (GRCh38, 1-based): chr17:43,094,092, T duplicated on the plus strand (A on the coding strand, the reverse complement: BRCA1 is on the minus strand); the first of 4 consecutive T bases (chr17:43,094,092-43,094,095); duplicating any one gives the same sequence. VCF-style (leftmost placement, unchanged base first): chr17-43094091-A-AT. GRCh37 (hg19) VCF-style: chr17-41246108-A-AT.
Other names: NM_007300.3:c.1439dupA; 1558insA; c.1439dupA (NM_007294.3); c.1436dup, p.Asn479fs (NM_001407587.1, NM_001407590.1, NM_001407591.1 and 22 more transcripts); c.1439dup, p.Asn480fs (NM_001407593.1, NM_001407594.1, NM_001407596.1 and 30 more transcripts); c.1430dup, p.Asn477fs (NM_001407646.1, NM_001407647.1); c.1316dup, p.Asn439fs (NM_001407648.1, NM_001407664.1, NM_001407665.1 and 19 more transcripts); c.1313dup, p.Asn438fs (NM_001407649.1, NM_001407670.1, NM_001407671.1 and 11 more transcripts); and 43 more; short protein forms N433fs, N480fs, N413fs, N453fs, N479fs, N353fs, N438fs, N312fs.
Identifiers: ClinVar variation 54252 (VCV000054252.18), dbSNP rs80357505, ClinGen allele CA000962.

ClinVar aggregate classification (germline): Pathogenic. Review status: reviewed by expert panel (3 of 4 stars). 11 submissions from 11 submitters: Pathogenic (1). 10 of the submissions do not count toward it. Last evaluated 2016-09-08.

Conditions:
Hereditary cancer-predisposing syndrome. Also called: Tumor predisposition; Neoplastic Syndromes, Hereditary; Hereditary Cancer Syndrome; Hereditary neoplastic syndrome. Identifiers: Orphanet 140162, MedGen C0027672, MeSH D009386, MONDO:0015356.
Breast and/or ovarian cancer. Identifiers: MedGen CN221562.
Hereditary breast ovarian cancer syndrome. Also called: Hereditary breast and ovarian cancer syndrome (HBOC); Hereditary breast and ovarian cancer syndrome; Hereditary breast and ovarian cancer; Hereditary breast and/or ovarian cancer syndrome; Breast and ovarian cancer; BRCA1- and BRCA2-Associated Hereditary Breast and Ovarian Cancer. Identifiers: Orphanet 145, MedGen C0677776, MeSH D061325, MONDO:0003582. Disease mechanism: loss of function.
Breast-ovarian cancer, familial, susceptibility to, 1 (BROVCA1). Also called: OVARIAN CANCER, SUSCEPTIBILITY TO; BRCA1 Hereditary Breast and Ovarian Cancer. Identifiers: Orphanet 145, MedGen C2676676, MONDO:0011450, OMIM 604370. Disease mechanism: loss of function.

Submissions (11):

Evidence-based Network for the Interpretation of Germline Mutant Alleles (ENIGMA)
Classification: Pathogenic for Breast-ovarian cancer, familial, susceptibility to, 1. Last evaluated: 2016-09-08. Review status: reviewed by expert panel. Criteria: ENIGMA BRCA1/2 Classification Criteria (2015). Collection method: curation. Allele origin: germline.
Comment: Variant allele predicted to encode a truncated non-functional protein.

Labcorp Genetics (formerly Invitae), Labcorp
Classification: Pathogenic for Hereditary breast ovarian cancer syndrome. Last evaluated: 2026-01-19. Review status: criteria provided, single submitter. Criteria: Invitae Variant Classification Sherloc (09022015). Collection method: clinical testing. Allele origin: germline. Not counted in ClinVar's aggregate classification.
Comment: This sequence change creates a premature translational stop signal (p.Asn480Lysfs*10) in the BRCA1 gene. It is expected to result in an absent or disrupted protein product. Loss-of-function variants in BRCA1 are known to be pathogenic (PMID: 20104584). This variant is not present in population databases (gnomAD no frequency). This premature translational stop signal has been observed in individual(s) with breast cancer (PMID: 10528853). ClinVar contains an entry for this variant (Variation ID: 54252). For these reasons, this variant has been classified as Pathogenic.

Color Diagnostics, LLC DBA Color Health
Classification: Pathogenic for Hereditary cancer-predisposing syndrome. Last evaluated: 2023-02-16. Review status: criteria provided, single submitter. Criteria: ACMG Guidelines, 2015. Collection method: clinical testing. Allele origin: germline. Not counted in ClinVar's aggregate classification.
Comment: This variant inserts 1 nucleotide in exon 10 of the BRCA1 gene, creating a frameshift and premature translation stop signal. This variant is also known as 1558insA and c.1439_1440insA in the literature. This variant has been reported in individuals affected with breast and ovarian cancer (PMID: 27393621, 29681614, 30078507). This variant has not been identified in the general population by the Genome Aggregation Database (gnomAD). Loss of BRCA1 function is a known mechanism of disease. Based on the available evidence, this variant is classified as Pathogenic.

Baylor Genetics
Classification: Pathogenic for Breast-ovarian cancer, familial, susceptibility to, 1. Last evaluated: 2022-03-13. Review status: criteria provided, single submitter. Criteria: ACMG Guidelines, 2015. Collection method: clinical testing. Allele origin: unknown. Not counted in ClinVar's aggregate classification.

CHEO Genetics Diagnostic Laboratory, Children's Hospital of Eastern Ontario
Classification: Pathogenic for Breast and/or ovarian cancer. Last evaluated: 2021-08-10. Review status: criteria provided, single submitter. Criteria: ACMG Guidelines, 2015. Collection method: clinical testing. Allele origin: germline. Not counted in ClinVar's aggregate classification.

Ambry Genetics
Classification: Pathogenic for Hereditary cancer-predisposing syndrome. Last evaluated: 2021-04-20. Review status: criteria provided, single submitter. Criteria: Ambry Variant Classification Scheme 2023. Collection method: clinical testing. Allele origin: germline. Not counted in ClinVar's aggregate classification.
Comment: The c.1439dupA pathogenic mutation, located in coding exon 9 of the BRCA1 gene, results from a duplication of A at nucleotide position 1439, causing a translational frameshift with a predicted alternate stop codon (p.N480Kfs*10). This mutation has been reported in multiple individuals diagnosed with hereditary breast and/or ovarian cancer (van Orsouw NJ et al. J Med Genet. 1999 Oct;36(10):747-53; Bayraktar S et al. Cancer 2012 Mar;118(6):1515-22; Zhang J et al. Breast Cancer Res. Treat. 2016 Aug;158(3):455-62; Sun J et al. Clin Cancer Res, 2017 Oct;23:6113-6119; Li A et al. Gynecol Oncol, 2018 10;151:145-152; Liang Y et al. Med Sci Monit, 2018 Apr;24:2465-2475). Of note, this mutation is also designated as 1558insA in published literature.This alteration is expected to result in loss of function by premature protein truncation or nonsense-mediated mRNA decay. As such, this alteration is interpreted as a disease-causing mutation.

Department of Pathology and Molecular Medicine, Queen's University
Classification: Pathogenic for Hereditary breast ovarian cancer syndrome. Last evaluated: 2017-04-20. Review status: criteria provided, single submitter. Criteria: ACMG Guidelines, 2015. Collection method: clinical testing. Allele origin: germline. Study: The Canadian Open Genetics Repository (COGR). Not counted in ClinVar's aggregate classification.

Consortium of Investigators of Modifiers of BRCA1/2 (CIMBA), c/o University of Cambridge
Classification: Pathogenic for Breast-ovarian cancer, familial, susceptibility to, 1. Last evaluated: 2015-10-02. Review status: criteria provided, single submitter. Criteria: CIMBA Mutation Classification guidelines May 2016. Collection method: clinical testing. Allele origin: germline. Not counted in ClinVar's aggregate classification.

Department of Pathology and Laboratory Medicine, Sinai Health System
Classification: Pathogenic for Hereditary breast ovarian cancer syndrome. Last evaluated: 2014-04-16. Review status: criteria provided, single submitter. Criteria: ACMG Guidelines, 2015. Collection method: clinical testing. Allele origin: germline. Affected: yes. Study: The Canadian Open Genetics Repository (COGR). Not counted in ClinVar's aggregate classification.

Sharing Clinical Reports Project (SCRP)
Classification: Pathogenic for Breast-ovarian cancer, familial 1. Last evaluated: 2012-05-01. Review status: no assertion criteria provided. Collection method: clinical testing. Allele origin: germline. Not counted in ClinVar's aggregate classification.

Breast Cancer Information Core (BIC) (BRCA1)
Classification: Pathogenic for Breast-ovarian cancer, familial 1. Last evaluated: 2004-02-20. Review status: no assertion criteria provided. Collection method: clinical testing. Allele origin: germline. Affected: yes. Observed: 1 variant allele. Not counted in ClinVar's aggregate classification.

Literature cited by the submitters: PubMed 20104584 (cited by Labcorp Genetics (formerly Invitae), Labcorp); PubMed 10528853 (cited by 3 submitters); PubMed 27393621 (cited by Color Diagnostics, LLC DBA Color Health and Ambry Genetics); PubMed 29681614 (cited by Color Diagnostics, LLC DBA Color Health and Ambry Genetics); PubMed 30078507 (cited by Color Diagnostics, LLC DBA Color Health and Ambry Genetics); PubMed 22009639 (cited by Ambry Genetics and Department of Pathology and Laboratory Medicine, Sinai Health System); PubMed 28724667 (cited by Ambry Genetics).